The following is an entry in ClinVar:

NM_007294.4(BRCA1):c.5094A>T (p.Glu1698Asp)

Gene: BRCA1 (BRCA1 DNA repair associated; minus strand). Cytogenetic location: 17q21.31.
Variant type: single nucleotide variant.
Coding change: c.5094A>T on transcript NM_007294.4 (MANE Select); coding-DNA position 5094, A replaced by T.
Protein change: p.Glu1698Asp; replaces glutamic acid 1698 with aspartic acid.
Molecular consequence: missense variant. On other transcripts: non-coding transcript variant (1).
Genome position (GRCh38, 1-based): chr17:43,063,932, T>A on the plus strand (A>T on the coding strand, the complement: BRCA1 is on the minus strand). VCF-style: chr17-43063932-T-A. GRCh37 (hg19) VCF-style: chr17-41215949-T-A.
Other names: c.5157A>T, p.Glu1719Asp (NM_001407587.1, NM_007300.4, NM_001407583.1 and 1 more transcripts); c.5154A>T, p.Glu1718Asp (NM_001407590.1, NM_001407591.1); c.5094A>T, p.Glu1698Asp (NM_001407593.1, NM_001407594.1, NM_001407596.1 and 7 more transcripts); c.5091A>T, p.Glu1697Asp (NM_001407610.1, NM_001407611.1, NM_001407612.1 and 17 more transcripts); c.5088A>T, p.Glu1696Asp (NM_001407628.1, NM_001407629.1, NM_001407630.1 and 14 more transcripts); c.5037A>T, p.Glu1679Asp (NM_001407648.1); c.5034A>T, p.Glu1678Asp (NM_001407649.1); c.5016A>T, p.Glu1672Asp (NM_001407653.1, NM_001407654.1, NM_001407655.1); and 71 more; short protein forms E1719D, E594D, E1651D, E1698D, E1544D, E1570D, E1627D, E1628D.
Identifiers: ClinVar variation 869020 (VCV000869020.3), dbSNP rs764891781, ClinGen allele CA10591335.

Conditions:
Breast-ovarian cancer, familial, susceptibility to, 1 (BROVCA1). Also called: BRCA1 Hereditary Breast and Ovarian Cancer; OVARIAN CANCER, SUSCEPTIBILITY TO. Identifiers: Orphanet 145, MedGen C2676676, MONDO:0011450, OMIM 604370. Disease mechanism: loss of function.

Submission:

Brotman Baty Institute, University of Washington
No classification provided (evidence only). Condition: Breast-ovarian cancer, familial 1. Review status: no classification provided. Collection method: in vitro. Allele origin: not applicable. Functional consequence: functionally_normal.
ClinVar note: "not provided" was previously submitted as the classification for the variant. However, the classification appeared to be based only on an observation of functional data so it was converted to no classification on 2025-07-30.